The following is an entry in ClinVar:

ClinVar aggregate classification (germline): Uncertain significance. Review status: criteria provided, multiple submitters, no conflicts (2 of 4 stars). 3 submissions from 3 submitters: Uncertain significance (3). Last evaluated 2025-10-06.

Conditions:
Hereditary cancer-predisposing syndrome. Also called: Neoplastic Syndromes, Hereditary; Tumor predisposition; Hereditary Cancer Syndrome; Hereditary neoplastic syndrome. Identifiers: Orphanet 140162, MedGen C0027672, MeSH D009386, MONDO:0015356.
Neuroblastoma, susceptibility to, 3. Also called: ALK-Related Neuroblastic Tumor Susceptibility. Identifiers: Orphanet 635, MedGen C2751681, MONDO:0013083, OMIM 613014.

Allele frequency attached by ClinVar (database versions not stated): gnomAD 0.00001 and 0.00002; ExAC 0.00002; gnomAD exomes 0.00002; TOPMed 0.00002.
gnomAD v4.1: 39 of 1,613,936 alleles (0.0024%); highest among the groups gnomAD compares: Admixed American, 0.0033%; no homozygotes.

Submissions (3):

Labcorp Genetics (formerly Invitae), Labcorp
Classification: Uncertain significance for Neuroblastoma, susceptibility to, 3. Last evaluated: 2025-10-06. Review status: criteria provided, single submitter. Criteria: Invitae Variant Classification Sherloc (09022015). Collection method: clinical testing. Allele origin: germline.
Comment: This sequence change replaces threonine, which is neutral and polar, with isoleucine, which is neutral and non-polar, at codon 505 of the ALK protein (p.Thr505Ile). This variant is present in population databases (rs751321667, gnomAD 0.004%). This variant has not been reported in the literature in individuals affected with ALK-related conditions. ClinVar contains an entry for this variant (Variation ID: 538214). An algorithm developed to predict the effect of missense changes on protein structure and function outputs the following: PolyPhen-2: "Benign". The isoleucine amino acid residue is found in multiple mammalian species, which suggests that this missense change does not adversely affect protein function. In summary, the available evidence is currently insufficient to determine the role of this variant in disease. Therefore, it has been classified as a Variant of Uncertain Significance.

GeneDx
Classification: Uncertain significance. Last evaluated: 2024-11-07. Review status: criteria provided, single submitter. Criteria: GeneDx Variant Classification Process June 2021. Collection method: clinical testing. Allele origin: germline. Affected: yes.
Comment: In silico analysis indicates that this missense variant does not alter protein structure/function; Has not been previously published as pathogenic or benign to our knowledge

Ambry Genetics
Classification: Uncertain significance for Hereditary cancer-predisposing syndrome. Last evaluated: 2024-03-04. Review status: criteria provided, single submitter. Criteria: Ambry Variant Classification Scheme 2023. Collection method: clinical testing. Allele origin: germline.
Comment: The p.T505I variant (also known as c.1514C>T), located in coding exon 7 of the ALK gene, results from a C to T substitution at nucleotide position 1514. The threonine at codon 505 is replaced by isoleucine, an amino acid with similar properties. This amino acid position is conserved. In addition, this alteration is predicted to be tolerated by in silico analysis. Since supporting evidence is limited at this time, the clinical significance of this alteration remains unclear.

NM_004304.5(ALK):c.1514C>T (p.Thr505Ile)

Gene: ALK (ALK receptor tyrosine kinase; minus strand). Cytogenetic location: 2p23.2.
Variant type: single nucleotide variant.
Coding change: c.1514C>T on transcript NM_004304.5 (MANE Select); coding-DNA position 1514, C replaced by T.
Protein change: p.Thr505Ile; replaces threonine 505 with isoleucine.
Molecular consequence: missense variant.
Genome position (GRCh38, 1-based): chr2:29,320,783, G>A on the plus strand (C>T on the coding strand, the complement: ALK is on the minus strand). VCF-style: chr2-29320783-G-A. GRCh37 (hg19) VCF-style: chr2-29543649-G-A.
Other names: short protein forms T505I.
Identifiers: ClinVar variation 538214 (VCV000538214.12), dbSNP rs751321667, ClinGen allele CA1594635.